The following is an entry in ClinVar:

NM_152703.5(SAMD9L):c.1637T>G (p.Val546Gly)

Gene: SAMD9L (sterile alpha motif domain containing 9 like; minus strand). Cytogenetic location: 7q21.2.
Variant type: single nucleotide variant.
Coding change: c.1637T>G on transcript NM_152703.5 (MANE Select); coding-DNA position 1637, T replaced by G.
Protein change: p.Val546Gly; replaces valine 546 with glycine.
Molecular consequence: missense variant.
Genome position (GRCh38, 1-based): chr7:93,134,335, A>C on the plus strand (T>G on the coding strand, the complement: SAMD9L is on the minus strand). VCF-style: chr7-93134335-A-C. GRCh37 (hg19) VCF-style: chr7-92763648-A-C.
Other names: c.1637T>G, p.Val546Gly (NM_001350084.2, NM_001350085.2, NM_001303496.3 and 5 more transcripts); short protein forms V546G.
Identifiers: ClinVar variation 3666279 (VCV003666279.2).

ClinVar aggregate classification (germline): Uncertain significance (1 of 4 stars; one submission).

Submission:

Labcorp Genetics (formerly Invitae), Labcorp
Classification: Uncertain significance. Last evaluated: 2024-10-13. Review status: criteria provided, single submitter. Criteria: Invitae Variant Classification Sherloc (09022015). Collection method: clinical testing. Allele origin: germline.
Comment: This sequence change replaces valine, which is neutral and non-polar, with glycine, which is neutral and non-polar, at codon 546 of the SAMD9L protein (p.Val546Gly). This variant is not present in population databases (gnomAD no frequency). This variant has not been reported in the literature in individuals affected with SAMD9L-related conditions. Invitae Evidence Modeling of protein sequence and biophysical properties (such as structural, functional, and spatial information, amino acid conservation, physicochemical variation, residue mobility, and thermodynamic stability) indicates that this missense variant is expected to disrupt SAMD9L protein function with a positive predictive value of 80%. In summary, the available evidence is currently insufficient to determine the role of this variant in disease. Therefore, it has been classified as a Variant of Uncertain Significance.